The following is an entry in ClinVar:

ClinVar aggregate classification (germline): Uncertain significance (1 of 4 stars; one submission).

Allele frequency attached by ClinVar (database versions not stated): gnomAD exomes below 0.00001; TOPMed below 0.00001; gnomAD 0.00001.
gnomAD v4.1: 4 of 1,556,924 alleles (0.00026%); highest among the groups gnomAD compares: Non-Finnish European, 0.00035%; no homozygotes.

Submission:

Labcorp Genetics (formerly Invitae), Labcorp
Classification: Uncertain significance. Last evaluated: 2024-01-14. Review status: criteria provided, single submitter. Criteria: Invitae Variant Classification Sherloc (09022015). Collection method: clinical testing. Allele origin: germline.
Comment: This sequence change replaces lysine, which is basic and polar, with threonine, which is neutral and polar, at codon 864 of the AP3D1 protein (p.Lys864Thr). This variant is not present in population databases (gnomAD no frequency). This variant has not been reported in the literature in individuals affected with AP3D1-related conditions. ClinVar contains an entry for this variant (Variation ID: 1496877). An algorithm developed to predict the effect of missense changes on protein structure and function (PolyPhen-2) suggests that this variant is likely to be tolerated. In summary, the available evidence is currently insufficient to determine the role of this variant in disease. Therefore, it has been classified as a Variant of Uncertain Significance.

NM_001261826.3(AP3D1):c.2591A>C (p.Lys864Thr)

Gene: AP3D1 (adaptor related protein complex 3 subunit delta 1; minus strand). Cytogenetic location: 19p13.3.
Variant type: single nucleotide variant.
Coding change: c.2591A>C on transcript NM_001261826.3 (MANE Select); coding-DNA position 2591, A replaced by C.
Protein change: p.Lys864Thr; replaces lysine 864 with threonine.
Molecular consequence: missense variant.
Genome position (GRCh38, 1-based): chr19:2,114,135, T>G on the plus strand (A>C on the coding strand, the complement: AP3D1 is on the minus strand). VCF-style: chr19-2114135-T-G. GRCh37 (hg19) VCF-style: chr19-2114134-T-G.
Other names: c.2591A>C, p.Lys864Thr (NM_001374799.1, NM_003938.8); short protein forms K864T.
Identifiers: ClinVar variation 1496877 (VCV001496877.6), dbSNP rs1257828286, ClinGen allele CA403207772.